The following is an entry in ClinVar:

ClinVar aggregate classification (germline): Uncertain significance (1 of 4 stars; one submission).

Allele frequency attached by ClinVar (database versions not stated): gnomAD exomes 0.00001.
gnomAD v4.1: 3 of 1,564,126 alleles (0.00019%); highest among the groups gnomAD compares: Non-Finnish European, 0.00017%; no homozygotes.

Submission:

Ambry Genetics
Classification: Uncertain significance. Last evaluated: 2023-06-08. Review status: criteria provided, single submitter. Criteria: Ambry Variant Classification Scheme 2023. Collection method: clinical testing. Allele origin: germline.
Comment: The p.R90H variant (also known as c.269G>A), located in coding exon 1 of the TERF2IP gene, results from a G to A substitution at nucleotide position 269. The arginine at codon 90 is replaced by histidine, an amino acid with highly similar properties. This amino acid position is conserved. In addition, this alteration is predicted to be tolerated by in silico analysis. Since supporting evidence is limited at this time, the clinical significance of this alteration remains unclear.

NM_018975.4(TERF2IP):c.269G>A (p.Arg90His)

Gene: TERF2IP (TERF2 interacting protein; plus strand). Cytogenetic location: 16q23.1.
Variant type: single nucleotide variant.
Coding change: c.269G>A on transcript NM_018975.4 (MANE Select); coding-DNA position 269, G replaced by A.
Protein change: p.Arg90His; replaces arginine 90 with histidine.
Molecular consequence: missense variant. On other transcripts: non-coding transcript variant (1).
Genome position (GRCh38, 1-based): chr16:75,648,151, G>A. VCF-style: chr16-75648151-G-A. GRCh37 (hg19) VCF-style: chr16-75682049-G-A.
Other names: short protein forms R90H.
Identifiers: ClinVar variation 2561646 (VCV002561646.2), dbSNP rs780130428, ClinGen allele CA8177971.
Genomic context (GRCh38, chr16:75,648,151, plus strand): 5'-CGCTGGCCGAGGCCTCGGGTGATTTCATCTCCACGCAGTACATCCTGGACTGCGTGGAGC[G>A]CAACGAGAGGCTGGAGCTGGAGGCCTATCGGCTGGGCCCCGCCTCGGCGGCGGACACCGG-3'
Protein context (NP_061848.2, residues 80-100): STQYILDCVE[Arg90His]NERLELEAYR